The following is an entry in ClinVar:

NM_016929.5(CLIC5):c.253G>A (p.Val85Ile)

Gene: CLIC5 (chloride intracellular channel 5; minus strand). Cytogenetic location: 6p21.1.
Variant type: single nucleotide variant.
Coding change: c.253G>A on transcript NM_016929.5 (MANE Select); coding-DNA position 253, G replaced by A.
Protein change: p.Val85Ile; replaces valine 85 with isoleucine.
Molecular consequence: missense variant.
Genome position (GRCh38, 1-based): chr6:45,949,302, C>T on the plus strand (G>A on the coding strand, the complement: CLIC5 is on the minus strand). VCF-style: chr6-45949302-C-T. GRCh37 (hg19) VCF-style: chr6-45917039-C-T.
Other names: c.730G>A, p.Val244Ile (NM_001114086.2, NM_001370650.1); c.253G>A, p.Val85Ile (NM_001256023.2); c.136G>A, p.Val46Ile (NM_001370649.1); short protein forms V244I, V46I, V85I.
Identifiers: ClinVar variation 595595 (VCV000595595.12), dbSNP rs199808624, ClinGen allele CA3836860.

ClinVar aggregate classification (germline): Conflicting classifications of pathogenicity. Review status: criteria provided, conflicting classifications (1 of 4 stars). 4 submissions from 4 submitters: Uncertain significance (2); Likely benign (1). 1 of the submissions does not count toward it. Last evaluated 2025-12-20.

Conditions:
CLIC5-related disorder. Also called: CLIC5-related condition.

Allele frequency attached by ClinVar (database versions not stated): gnomAD exomes 0.00006 and 0.00019; TOPMed 0.00053; 1000 Genomes Project 0.00080; gnomAD 0.00048 and 0.00051; 1000 Genomes Project 30x 0.00062; ExAC 0.00021; ESP Exome Variant Server 0.00054.
gnomAD v4.1: 165 of 1,613,966 alleles (0.01%); highest among the groups gnomAD compares: African/African-American, 0.17%; no homozygotes.

Submissions (4):

Labcorp Genetics (formerly Invitae), Labcorp
Classification: Uncertain significance. Last evaluated: 2025-12-20. Review status: criteria provided, single submitter. Criteria: Invitae Variant Classification Sherloc (09022015). Collection method: clinical testing. Allele origin: germline.
Comment: This sequence change replaces valine, which is neutral and non-polar, with isoleucine, which is neutral and non-polar, at codon 244 of the CLIC5 protein (p.Val244Ile). This variant is present in population databases (rs199808624, gnomAD 0.2%), and has an allele count higher than expected for a pathogenic variant. This variant has not been reported in the literature in individuals affected with CLIC5-related conditions. ClinVar contains an entry for this variant (Variation ID: 595595). An algorithm developed to predict the effect of missense changes on protein structure and function (PolyPhen-2) suggests that this variant is likely to be tolerated. In summary, the available evidence is currently insufficient to determine the role of this variant in disease. Therefore, it has been classified as a Variant of Uncertain Significance.

GeneDx
Classification: Likely benign. Last evaluated: 2020-12-29. Review status: criteria provided, single submitter. Criteria: GeneDx Variant Classification Process June 2021. Collection method: clinical testing. Allele origin: germline. Affected: yes.

Eurofins Ntd Llc (ga)
Classification: Uncertain significance. Last evaluated: 2018-01-12. Review status: criteria provided, single submitter. Criteria: EGL Classification Definitions 2015. Collection method: clinical testing. Allele origin: germline. Observed: 1 variant allele, 1 heterozygote.

PreventionGenetics, part of Exact Sciences
Classification: Likely benign for CLIC5-related condition. Last evaluated: 2024-09-26. Review status: no assertion criteria provided. Collection method: clinical testing. Allele origin: germline. Not counted in ClinVar's aggregate classification.
Comment: This variant is classified as likely benign based on ACMG/AMP sequence variant interpretation guidelines (Richards et al. 2015 PMID: 25741868, with internal and published modifications).